The following is an entry in ClinVar:

NM_032447.5(FBN3):c.7745C>T (p.Ala2582Val)

Gene: FBN3 (fibrillin 3; minus strand). Cytogenetic location: 19p13.2.
Variant type: single nucleotide variant.
Coding change: c.7745C>T on transcript NM_032447.5 (MANE Select); coding-DNA position 7745, C replaced by T.
Protein change: p.Ala2582Val; replaces alanine 2582 with valine.
Molecular consequence: missense variant.
Genome position (GRCh38, 1-based): chr19:8,073,255, G>A on the plus strand (C>T on the coding strand, the complement: FBN3 is on the minus strand). VCF-style: chr19-8073255-G-A. GRCh37 (hg19) VCF-style: chr19-8138139-G-A.
Other names: c.7745C>T, p.Ala2582Val (NM_001321431.2); c.7745C>T (NM_001321431.1, NM_032447.3); short protein forms A2582V.
Identifiers: ClinVar variation 723712 (VCV000723712.13), dbSNP rs73923958, ClinGen allele CA9150748.

ClinVar aggregate classification (germline): Conflicting classifications of pathogenicity. Review status: criteria provided, conflicting classifications (1 of 4 stars). 3 submissions from 3 submitters: Uncertain significance (1); Likely benign (1). 1 of the submissions does not count toward it. Last evaluated 2025-11-18.

Conditions:
FBN3-related disorder. Also called: FBN3-related condition.

Allele frequency attached by ClinVar (database versions not stated): gnomAD exomes 0.00023 and 0.00060; 1000 Genomes Project 0.00260; ExAC 0.00068; ESP Exome Variant Server 0.00146; gnomAD 0.00159 and 0.00167; TOPMed 0.00180; 1000 Genomes Project 30x 0.00234.
gnomAD v4.1: 607 of 1,614,052 alleles (0.038%); highest among the groups gnomAD compares: African/African-American, 0.53%; 6 homozygotes.

Submissions (3):

Labcorp Genetics (formerly Invitae), Labcorp
Classification: Likely benign. Last evaluated: 2025-11-18. Review status: criteria provided, single submitter. Criteria: Invitae Variant Classification Sherloc (09022015). Collection method: clinical testing. Allele origin: germline.

Ambry Genetics
Classification: Uncertain significance. Last evaluated: 2025-08-20. Review status: criteria provided, single submitter. Criteria: Ambry Variant Classification Scheme 2023. Collection method: clinical testing. Allele origin: germline.

PreventionGenetics, part of Exact Sciences
Classification: Likely benign for FBN3-related condition. Last evaluated: 2020-02-11. Review status: no assertion criteria provided. Collection method: clinical testing. Allele origin: germline. Not counted in ClinVar's aggregate classification.
Comment: This variant is classified as likely benign based on ACMG/AMP sequence variant interpretation guidelines (Richards et al. 2015 PMID: 25741868, with internal and published modifications).